The following is an entry in ClinVar:

NM_000360.4(TH):c.829C>A (p.Arg277Ser)

Gene: TH (tyrosine hydroxylase; minus strand). Cytogenetic location: 11p15.5.
Variant type: single nucleotide variant.
Coding change: c.829C>A on transcript NM_000360.4 (MANE Select); coding-DNA position 829, C replaced by A.
Protein change: p.Arg277Ser; replaces arginine 277 with serine.
Molecular consequence: missense variant.
Genome position (GRCh38, 1-based): chr11:2,166,899, G>T on the plus strand (C>A on the coding strand, the complement: TH is on the minus strand). VCF-style: chr11-2166899-G-T. GRCh37 (hg19) VCF-style: chr11-2188129-G-T.
Other names: c.922C>A, p.Arg308Ser (NM_199292.3); c.910C>A, p.Arg304Ser (NM_199293.3); short protein forms R308S, R304S, R277S.
Identifiers: ClinVar variation 1485307 (VCV001485307.8), dbSNP rs2133693392, ClinGen allele CA379126529.

ClinVar aggregate classification (germline): Uncertain significance (1 of 4 stars; one submission).

Conditions:
TH-deficient dopa-responsive dystonia. Also called: Tyrosine Hydroxylase-Deficient Dopa-Responsive Dystonia; Segawa syndrome, autosomal recessive; DYT-TH. Identifiers: Orphanet 101150, MedGen C2673535, MONDO:0011551, OMIM 605407.

Submission:

Labcorp Genetics (formerly Invitae), Labcorp
Classification: Uncertain significance for TH-deficient dopa-responsive dystonia. Last evaluated: 2023-11-27. Review status: criteria provided, single submitter. Criteria: Invitae Variant Classification Sherloc (09022015). Collection method: clinical testing. Allele origin: germline.
Comment: This sequence change replaces arginine, which is basic and polar, with serine, which is neutral and polar, at codon 308 of the TH protein (p.Arg308Ser). This variant is not present in population databases (gnomAD no frequency). This variant has not been reported in the literature in individuals affected with TH-related conditions. ClinVar contains an entry for this variant (Variation ID: 1485307). Advanced modeling of protein sequence and biophysical properties (such as structural, functional, and spatial information, amino acid conservation, physicochemical variation, residue mobility, and thermodynamic stability) has been performed at Invitae for this missense variant, however the output from this modeling did not meet the statistical confidence thresholds required to predict the impact of this variant on TH protein function. In summary, the available evidence is currently insufficient to determine the role of this variant in disease. Therefore, it has been classified as a Variant of Uncertain Significance.